The following is an entry in ClinVar:

NM_005045.4(RELN):c.2015C>T (p.Pro672Leu)

Gene: RELN (reelin; minus strand). Cytogenetic location: 7q22.1.
Variant type: single nucleotide variant.
Coding change: c.2015C>T on transcript NM_005045.4 (MANE Select); coding-DNA position 2015, C replaced by T.
Protein change: p.Pro672Leu; replaces proline 672 with leucine.
Molecular consequence: missense variant.
Genome position (GRCh38, 1-based): chr7:103,640,597, G>A on the plus strand (C>T on the coding strand, the complement: RELN is on the minus strand). VCF-style: chr7-103640597-G-A. GRCh37 (hg19) VCF-style: chr7-103281044-G-A.
Other names: c.2015C>T, p.Pro672Leu (NM_173054.3); short protein forms P672L.
Identifiers: ClinVar variation 208481 (VCV000208481.60), dbSNP rs201044262, ClinGen allele CA347393.

ClinVar aggregate classification (germline): Conflicting classifications of pathogenicity. Review status: criteria provided, conflicting classifications (1 of 4 stars). 11 submissions from 11 submitters: Uncertain significance (8); Benign (1). 2 of the submissions do not count toward it. Last evaluated 2025-12-03.

Conditions:
Familial temporal lobe epilepsy 7. Identifiers: Orphanet 101046, MedGen C4225327, MONDO:0014639, OMIM 616436.
Norman-Roberts syndrome (LIS2). Also called: Lissencephaly 2 (Norman-Roberts type). Identifiers: Orphanet 89844, MedGen C0796089, MONDO:0009760, OMIM 257320.
Epilepsy, familial temporal lobe, 1. Identifiers: Orphanet 101046, MedGen CN030884, MONDO:0700090, OMIM 600512.
Seizure. Also called: Seizures. Identifiers: MedGen C0036572, HP:0001250.

Allele frequency attached by ClinVar (database versions not stated): TOPMed 0.00010; ExAC 0.00012; gnomAD 0.00016; gnomAD exomes 0.00016.
gnomAD v4.1: 252 of 1,613,590 alleles (0.016%); highest among the groups gnomAD compares: Middle Eastern, 0.049%; no homozygotes.

Submissions (11):

Women's Health and Genetics/Laboratory Corporation of America, LabCorp
Classification: Uncertain significance. Last evaluated: 2025-12-03. Review status: criteria provided, single submitter. Criteria: LabCorp Variant Classification Summary - May 2015. Collection method: clinical testing. Allele origin: germline.
Comment: Variant summary: RELN c.2015C>T (p.Pro672Leu) results in a non-conservative amino acid change in the encoded protein sequence. Algorithms developed to predict the effect of missense changes on protein structure and function are either unavailable or do not agree on the potential impact of this missense change. The variant allele was found at a frequency of 0.00016 in 250800 control chromosomes. This frequency is not significantly higher than estimated for disease-causing variants in RELN, allowing no conclusion about variant significance. c.2015C>T has been observed in individual(s) affected with Epilepsy, as well as controls (e.g. Balicza_2019, Dazzo_2015, Tozkir_2025, Bobbili_2018, Blazekovic_2022). These report(s) do not provide unequivocal conclusions about association of the variant with Epilepsy Familial Temporal Lobe 7. To our knowledge, no experimental evidence demonstrating an impact on protein function has been reported. The following publications have been ascertained in the context of this evaluation (PMID: 31134136, 36011376, 29358611, 26046367, 40565516). ClinVar contains an entry for this variant (Variation ID: 208481). Based on the evidence outlined above, the variant was classified as uncertain significance.

Labcorp Genetics (formerly Invitae), Labcorp
Classification: Benign for Familial temporal lobe epilepsy 7; Norman-Roberts syndrome. Last evaluated: 2025-10-28. Review status: criteria provided, single submitter. Criteria: Invitae Variant Classification Sherloc (09022015). Collection method: clinical testing. Allele origin: germline.

Blueprint Genetics
Classification: Uncertain significance. Last evaluated: 2024-04-02. Review status: criteria provided, single submitter. Criteria: ACMG Guidelines, 2015. Collection method: clinical testing. Allele origin: germline.

GeneDx
Classification: Uncertain significance. Last evaluated: 2023-09-05. Review status: criteria provided, single submitter. Criteria: GeneDx Variant Classification Process June 2021. Collection method: clinical testing. Allele origin: germline. Affected: yes.
Comment: Reported in two individuals within a single family with lateral temporal epilepsy as well as auditory and/or aphasic seizures in published literature (Dazzo et al., 2015); Observed in the heterozygous state in one patient with epilepsy and multiple minor anomalies in published literature (Balicza et al., 2019); In silico analysis supports that this missense variant has a deleterious effect on protein structure/function; This variant is associated with the following publications: (PMID: 34426522, 29755699, 36011376, 31134136, 26046367, 27493482)

CeGaT Center for Human Genetics Tuebingen
Classification: Uncertain significance. Last evaluated: 2021-11-01. Review status: criteria provided, single submitter. Criteria: CeGaT Center For Human Genetics Tuebingen Variant Classification Criteria Version 2. Collection method: clinical testing. Allele origin: germline. Affected: yes. Observed: 2 variant alleles.

Department of Pathology and Laboratory Medicine, Sinai Health System
Classification: Uncertain significance for Norman-Roberts syndrome; Epilepsy, familial temporal lobe, 1; Familial temporal lobe epilepsy 7. Last evaluated: 2021-08-17. Review status: criteria provided, single submitter. Criteria: ACMG Guidelines, 2015. Collection method: research. Allele origin: germline.

Centre for Mendelian Genomics, University Medical Centre Ljubljana
Classification: Uncertain significance for Familial temporal lobe epilepsy 7. Last evaluated: 2020-04-02. Review status: criteria provided, single submitter. Criteria: ACMG Guidelines, 2015. Collection method: clinical testing. Allele origin: unknown. Affected: yes.
Comment: This variant was classified as: Uncertain significance. The available evidence on this variant's pathogenicity is insufficient or conflicting. The following ACMG criteria were applied in classifying this variant: PP3,BS2.

Fulgent Genetics
Classification: Uncertain significance for Norman-Roberts syndrome; Epilepsy, familial temporal lobe, 1; Familial temporal lobe epilepsy 7. Last evaluated: 2018-10-31. Review status: criteria provided, single submitter. Criteria: ACMG Guidelines, 2015. Collection method: clinical testing. Allele origin: unknown.

Institute of Human Genetics, University of Goettingen
Classification: Uncertain significance for Norman-Roberts syndrome. Last evaluated: 2018-05-15. Review status: criteria provided, single submitter. Criteria: ACMG Guidelines, 2015. Collection method: clinical testing. Allele origin: unknown. Affected: yes. Observed: 1 variant allele, 1 heterozygote.

Diagnostic Laboratory, Strasbourg University Hospital
Classification: Likely benign for Seizure. Review status: no assertion criteria provided. Collection method: clinical testing. Allele origin: maternal. Affected: yes. Observed: 1 heterozygote. Not counted in ClinVar's aggregate classification.

GeneReviews
No classification provided. Condition: Familial temporal lobe epilepsy 7. Review status: no classification provided. Collection method: literature only. Allele origin: germline. Affected: yes. Not counted in ClinVar's aggregate classification.

Literature cited by the submitters: PubMed 31134136 (cited by Women's Health and Genetics/Laboratory Corporation of America, LabCorp); PubMed 29358611 (cited by Women's Health and Genetics/Laboratory Corporation of America, LabCorp); PubMed 36011376 (cited by Women's Health and Genetics/Laboratory Corporation of America, LabCorp); PubMed 26046367 (cited by Women's Health and Genetics/Laboratory Corporation of America, LabCorp); PubMed 40565516 (cited by Women's Health and Genetics/Laboratory Corporation of America, LabCorp); NCBI Bookshelf NBK1537 (cited by GeneReviews).